The following is an entry in ClinVar:

ClinVar aggregate classification (germline): Uncertain significance. Review status: criteria provided, multiple submitters, no conflicts (2 of 4 stars). 2 submissions from 2 submitters: Uncertain significance (2). Last evaluated 2025-11-10.

Conditions:
Cardiovascular phenotype. Identifiers: MedGen CN230736.

Allele frequency attached by ClinVar (database versions not stated): TOPMed below 0.00001; gnomAD exomes 0.00002; ExAC 0.00003.
gnomAD v4.1: 13 of 1,613,642 alleles (0.00081%); highest among the groups gnomAD compares: Admixed American, 0.02%; no homozygotes.

Submissions (2):

Labcorp Genetics (formerly Invitae), Labcorp
Classification: Uncertain significance. Last evaluated: 2025-11-10. Review status: criteria provided, single submitter. Criteria: Invitae Variant Classification Sherloc (09022015). Collection method: clinical testing. Allele origin: germline.
Comment: This sequence change replaces glutamic acid, which is acidic and polar, with lysine, which is basic and polar, at codon 87 of the MFAP5 protein (p.Glu87Lys). This variant is present in population databases (rs779901395, gnomAD 0.03%). This variant has not been reported in the literature in individuals affected with MFAP5-related conditions. ClinVar contains an entry for this variant (Variation ID: 1793617). An algorithm developed to predict the effect of missense changes on protein structure and function (PolyPhen-2) suggests that this variant is likely to be disruptive. In summary, the available evidence is currently insufficient to determine the role of this variant in disease. Therefore, it has been classified as a Variant of Uncertain Significance.

Ambry Genetics
Classification: Uncertain significance for Cardiovascular phenotype. Last evaluated: 2025-08-25. Review status: criteria provided, single submitter. Criteria: Ambry Variant Classification Scheme 2023. Collection method: clinical testing. Allele origin: germline.

NM_003480.4(MFAP5):c.259G>A (p.Glu87Lys)

Gene: MFAP5 (microfibril associated protein 5; minus strand). Cytogenetic location: 12p13.31.
Variant type: single nucleotide variant.
Coding change: c.259G>A on transcript NM_003480.4 (MANE Select); coding-DNA position 259, G replaced by A.
Protein change: p.Glu87Lys; replaces glutamic acid 87 with lysine.
Molecular consequence: missense variant. On other transcripts: non-coding transcript variant (2), intron variant (1).
Genome position (GRCh38, 1-based): chr12:8,650,578, C>T on the plus strand (G>A on the coding strand, the complement: MFAP5 is on the minus strand). VCF-style: chr12-8650578-C-T. GRCh37 (hg19) VCF-style: chr12-8803174-C-T.
Other names: c.229G>A, p.Glu77Lys (NM_001297709.2); c.193G>A, p.Glu65Lys (NM_001297710.2); c.184G>A, p.Glu62Lys (NM_001297711.2); c.218-2375G>A (NM_001297712.2); short protein forms E87K, E62K, E65K, E77K.
Identifiers: ClinVar variation 1793617 (VCV001793617.9), dbSNP rs779901395, ClinGen allele CA6434649.